The following is an entry in ClinVar:

NM_002857.4(PEX19):c.759T>A (p.Asp253Glu)

Gene: PEX19 (peroxisomal biogenesis factor 19; minus strand). Cytogenetic location: 1q23.2.
Variant type: single nucleotide variant.
Coding change: c.759T>A on transcript NM_002857.4 (MANE Select); coding-DNA position 759, T replaced by A.
Protein change: p.Asp253Glu; replaces aspartic acid 253 with glutamic acid.
Molecular consequence: missense variant. On other transcripts: non-coding transcript variant (2).
Genome position (GRCh38, 1-based): chr1:160,280,082, A>T on the plus strand (T>A on the coding strand, the complement: PEX19 is on the minus strand). VCF-style: chr1-160280082-A-T. GRCh37 (hg19) VCF-style: chr1-160249872-A-T.
Other names: c.759T>A, p.Asp253Glu (NM_001193644.1); short protein forms D253E.
Identifiers: ClinVar variation 2119875 (VCV002119875.3), dbSNP rs1657706367, ClinGen allele CA343256951.

ClinVar aggregate classification (germline): Uncertain significance (1 of 4 stars; one submission).

Conditions:
Peroxisome biogenesis disorder 12A (Zellweger). Also called: Peroxisome biogenesis disorder 12A. Identifiers: Orphanet 912, MedGen C3554002, MONDO:0013951, OMIM 614886.

Allele frequency attached by ClinVar (database versions not stated): gnomAD exomes below 0.00001; TOPMed below 0.00001.

Submission:

Labcorp Genetics (formerly Invitae), Labcorp
Classification: Uncertain significance for Peroxisome biogenesis disorder 12A (Zellweger). Last evaluated: 2023-02-14. Review status: criteria provided, single submitter. Criteria: Invitae Variant Classification Sherloc (09022015). Collection method: clinical testing. Allele origin: germline.
Comment: This variant has not been reported in the literature in individuals affected with PEX19-related conditions. In summary, the available evidence is currently insufficient to determine the role of this variant in disease. Therefore, it has been classified as a Variant of Uncertain Significance. Advanced modeling of protein sequence and biophysical properties (such as structural, functional, and spatial information, amino acid conservation, physicochemical variation, residue mobility, and thermodynamic stability) performed at Invitae indicates that this missense variant is not expected to disrupt PEX19 protein function. This variant is not present in population databases (gnomAD no frequency). This sequence change replaces aspartic acid, which is acidic and polar, with glutamic acid, which is acidic and polar, at codon 253 of the PEX19 protein (p.Asp253Glu).